The following is an entry in ClinVar:

ClinVar aggregate classification (germline): Uncertain significance (1 of 4 stars; one submission).

Submission:

Labcorp Genetics (formerly Invitae), Labcorp
Classification: Uncertain significance. Last evaluated: 2025-02-03. Review status: criteria provided, single submitter. Criteria: Invitae Variant Classification Sherloc (09022015). Collection method: clinical testing. Allele origin: germline.
Comment: This sequence change replaces methionine, which is neutral and non-polar, with isoleucine, which is neutral and non-polar, at codon 172 of the SPPL2A protein (p.Met172Ile). This variant is present in population databases (rs748607723, gnomAD 0.0009%). This variant has not been reported in the literature in individuals affected with SPPL2A-related conditions. An algorithm developed to predict the effect of missense changes on protein structure and function outputs the following: PolyPhen-2: "Benign". The isoleucine amino acid residue is found in multiple mammalian species, which suggests that this missense change does not adversely affect protein function. In summary, the available evidence is currently insufficient to determine the role of this variant in disease. Therefore, it has been classified as a Variant of Uncertain Significance.

NM_032802.4(SPPL2A):c.516G>T (p.Met172Ile)

Gene: SPPL2A (signal peptide peptidase like 2A; minus strand). Cytogenetic location: 15q21.2.
Variant type: single nucleotide variant.
Coding change: c.516G>T on transcript NM_032802.4 (MANE Select); coding-DNA position 516, G replaced by T.
Protein change: p.Met172Ile; replaces methionine 172 with isoleucine.
Molecular consequence: missense variant.
Genome position (GRCh38, 1-based): chr15:50,747,563, C>A on the plus strand (G>T on the coding strand, the complement: SPPL2A is on the minus strand). VCF-style: chr15-50747563-C-A. GRCh37 (hg19) VCF-style: chr15-51039760-C-A.
Other names: short protein forms M172I.
Identifiers: ClinVar variation 3683357 (VCV003683357.2).